The following is an entry in ClinVar:

NM_000051.4(ATM):c.8941_8942insT (p.His2981fs)

Genes: ATM (ATM serine/threonine kinase; plus strand), C11orf65 (chromosome 11 open reading frame 65; minus strand). Cytogenetic location: 11q22.3.
Variant type: Insertion.
Coding change: c.8941_8942insT on transcript NM_000051.4 (MANE Select); coding-DNA positions 8941 to 8942, T inserted.
Protein change: p.His2981fs; shifts the reading frame from histidine 2981.
Molecular consequence: frameshift variant. On other transcripts: intron variant (2).
Genome position: GRCh38 VCF-style: chr11-108365172-C-CT. GRCh37 (hg19) VCF-style: chr11-108235899-C-CT.
Other names: c.8941_8942insT, p.His2981fs (NM_001351834.2); c.640+20747_640+20748insA (NM_001330368.2); c.694+20747_694+20748insA (NM_001351110.2); short protein forms H2981fs.
Identifiers: ClinVar variation 3223536 (VCV003223536.1), dbSNP rs2547677239, ClinGen allele CA2825001992.

ClinVar aggregate classification (germline): Likely pathogenic (1 of 4 stars; one submission).

Conditions:
Hereditary cancer-predisposing syndrome. Also called: Tumor predisposition; Hereditary Cancer Syndrome; Hereditary neoplastic syndrome; Neoplastic Syndromes, Hereditary. Identifiers: Orphanet 140162, MedGen C0027672, MeSH D009386, MONDO:0015356.

Submission:

Ambry Genetics
Classification: Likely pathogenic for Hereditary cancer-predisposing syndrome. Last evaluated: 2023-12-06. Review status: criteria provided, single submitter. Criteria: Ambry Variant Classification Scheme 2023. Collection method: clinical testing. Allele origin: germline.
Comment: The c.8941_8942insT variant, located in coding exon 61 of the ATM gene, results from an insertion of one nucleotide at position 8941, causing a translational frameshift with a predicted alternate stop codon (p.H2981Lfs*8). This alteration occurs at the 3' terminus of theATM gene, is not expected to trigger nonsense-mediated mRNA decay, and impacts the last 76 amino acids of the protein. However, premature stop codons are typically deleterious in nature and the impacted region is critical for protein function (Ambry internal data). Based on the majority of available evidence to date, this variant is likely to be pathogenic.